The following is an entry in ClinVar:

NM_006767.4(LZTR1):c.1245_1246del (p.Glu415fs)

Gene: LZTR1 (leucine zipper like post translational regulator 1; plus strand). Cytogenetic location: 22q11.21.
Variant type: Microsatellite.
Coding change: c.1245_1246del on transcript NM_006767.4 (MANE Select); coding-DNA positions 1245 to 1246, 2 bases deleted (GA; older notation c.1245_1246delGA).
Protein change: p.Glu415fs; shifts the reading frame from glutamic acid 415.
Molecular consequence: frameshift variant.
Genome position (GRCh38, 1-based): chr22:20,992,889-20,992,890, GA deleted; deleting any 2 consecutive bases within chr22:20,992,887-20,992,890 gives the same sequence; the c. name uses the placement nearest the transcript's 3' end. VCF-style (leftmost placement, unchanged base first): chr22-20992886-GGA-G. GRCh37 (hg19) VCF-style: chr22-21347175-GGA-G.
Other names: c.1245_1246delGA (NM_006767.4); short protein forms E415fs.
Identifiers: ClinVar variation 2664794 (VCV002664794.1), dbSNP rs2518618953, ClinGen allele CA2580610743.

ClinVar aggregate classification (germline): Likely pathogenic (1 of 4 stars; one submission).

Conditions:
LZTR1-related schwannomatosis. Also called: Schwannomatosis 2; Schwannomatosis-2, susceptibility to. Identifiers: Orphanet 93921, MedGen C3810283, MONDO:0014299, OMIM 615670.

Submission:

Genetics and Molecular Pathology, SA Pathology
Classification: Likely pathogenic for LZTR1-related schwannomatosis. Last evaluated: 2023-06-08. Review status: criteria provided, single submitter. Criteria: ACMG Guidelines, 2015. Collection method: clinical testing. Allele origin: germline. Inheritance: Autosomal dominant inheritance. Affected: yes.
Comment: The LZTR1 c.1245_1246del has been classified as Likely Pathogenic (PM2, PVS1). The LZTR1 c.1245_1246del variant is located in exon 11/21 and is predicted to cause a shift in the reading frame at codon415, introducing a premature stop codon 11 amino acids downstream (PVS1). This variant is absent from population databases (PM2) and has not been reported in dbSNP, HGMD or ClinVar.